The following is an entry in ClinVar:

ClinVar aggregate classification (germline): Pathogenic (1 of 4 stars; one submission).

Conditions:
Werner syndrome (WRN). Identifiers: Orphanet 902, MedGen C0043119, MONDO:0010196, OMIM 277700.

Allele frequency attached by ClinVar (database versions not stated): gnomAD exomes below 0.00001.
gnomAD v4.1: 1 of 1,613,852 alleles (0.000062%); highest among the groups gnomAD compares: Non-Finnish European, 0.000085%; no homozygotes.

Submission:

Labcorp Genetics (formerly Invitae), Labcorp
Classification: Pathogenic for Werner syndrome. Last evaluated: 2024-01-09. Review status: criteria provided, single submitter. Criteria: Invitae Variant Classification Sherloc (09022015). Collection method: clinical testing. Allele origin: germline.
Comment: This sequence change creates a premature translational stop signal (p.Gln1148*) in the WRN gene. It is expected to result in an absent or disrupted protein product. Loss-of-function variants in WRN are known to be pathogenic (PMID: 16673358). This variant is not present in population databases (gnomAD no frequency). This variant has not been reported in the literature in individuals affected with WRN-related conditions. For these reasons, this variant has been classified as Pathogenic.

Literature cited by the submitters: PubMed 16673358.

NM_000553.6(WRN):c.3442C>T (p.Gln1148Ter)

Gene: WRN (WRN RecQ like helicase; plus strand). Cytogenetic location: 8p12.
Variant type: single nucleotide variant.
Coding change: c.3442C>T on transcript NM_000553.6 (MANE Select); coding-DNA position 3442, C replaced by T.
Protein change: p.Gln1148Ter; replaces glutamine 1148 with a stop codon.
Molecular consequence: nonsense.
Genome position (GRCh38, 1-based): chr8:31,147,111, C>T. VCF-style: chr8-31147111-C-T. GRCh37 (hg19) VCF-style: chr8-31004627-C-T.
Other names: short protein forms Q1148*.
Identifiers: ClinVar variation 2769200 (VCV002769200.3), dbSNP rs2536042016, ClinGen allele CA370925468.